The following is an entry in ClinVar:

ClinVar aggregate classification (germline): Likely benign (1 of 4 stars; one submission).

Allele frequency attached by ClinVar (database versions not stated): TOPMed 0.00003; gnomAD 0.00013; gnomAD exomes 0.00022; ExAC 0.00055.
gnomAD v4.1: 348 of 1,614,016 alleles (0.022%); highest among the groups gnomAD compares: South Asian, 0.35%; 4 homozygotes.

Submission:

CeGaT Center for Human Genetics Tuebingen
Classification: Likely benign. Last evaluated: 2022-04-01. Review status: criteria provided, single submitter. Criteria: CeGaT Center For Human Genetics Tuebingen Variant Classification Criteria Version 2. Collection method: clinical testing. Allele origin: germline. Affected: yes. Observed: 1 variant allele.
Comment: SAE1: BP4

NM_005500.3(SAE1):c.*27G>A

Gene: SAE1 (SUMO1 activating enzyme subunit 1; plus strand). Cytogenetic location: 19q13.32.
Variant type: single nucleotide variant.
Coding change: c.*27G>A on transcript NM_005500.3 (MANE Select); 27 bases downstream of the stop codon, G replaced by A.
Molecular consequence: 3 prime UTR variant. On other transcripts: missense variant (1), non-coding transcript variant (1).
Genome position (GRCh38, 1-based): chr19:47,209,278, G>A. VCF-style: chr19-47209278-G-A. GRCh37 (hg19) VCF-style: chr19-47712535-G-A.
Other names: c.853G>A, p.Ala285Thr (NM_001145713.2); c.*122G>A (NM_001145714.2); c.*27G>A (NM_016402.1); short protein forms A285T.
Identifiers: ClinVar variation 2650143 (VCV002650143.24), dbSNP rs763772529, ClinGen allele CA9536078.